The following is an entry in ClinVar:

ClinVar aggregate classification (germline): Conflicting classifications of pathogenicity. Review status: criteria provided, conflicting classifications (1 of 4 stars). 3 submissions from 3 submitters: Uncertain significance (2); Likely benign (1). Last evaluated 2025-04-21.

Allele frequency attached by ClinVar (database versions not stated): ExAC 0.00003; ESP Exome Variant Server 0.00008; gnomAD 0.00015 and 0.00016.
gnomAD v4.1: 53 of 1,613,702 alleles (0.0033%); highest among the groups gnomAD compares: African/African-American, 0.053%; no homozygotes.

Submissions (3):

Ambry Genetics
Classification: Uncertain significance. Last evaluated: 2025-04-21. Review status: criteria provided, single submitter. Criteria: Ambry Variant Classification Scheme 2023. Collection method: clinical testing. Allele origin: germline.

Labcorp Genetics (formerly Invitae), Labcorp
Classification: Uncertain significance. Last evaluated: 2025-02-15. Review status: criteria provided, single submitter. Criteria: Invitae Variant Classification Sherloc (09022015). Collection method: clinical testing. Allele origin: germline.
Comment: This sequence change replaces valine, which is neutral and non-polar, with methionine, which is neutral and non-polar, at codon 82 of the ITGAM protein (p.Val82Met). This variant is present in population databases (rs373322978, gnomAD 0.05%). This variant has not been reported in the literature in individuals affected with ITGAM-related conditions. ClinVar contains an entry for this variant (Variation ID: 1419004). An algorithm developed to predict the effect of missense changes on protein structure and function (PolyPhen-2) suggests that this variant is likely to be tolerated. In summary, the available evidence is currently insufficient to determine the role of this variant in disease. Therefore, it has been classified as a Variant of Uncertain Significance.

CeGaT Center for Human Genetics Tuebingen
Classification: Likely benign. Last evaluated: 2022-07-01. Review status: criteria provided, single submitter. Criteria: CeGaT Center For Human Genetics Tuebingen Variant Classification Criteria Version 2. Collection method: clinical testing. Allele origin: germline. Affected: yes. Observed: 1 variant allele.
Comment: ITGAM: BP4

NM_000632.4(ITGAM):c.244G>A (p.Val82Met)

Genes: ITGAM (integrin subunit alpha M; plus strand), LOC126862331 (P300/CBP strongly-dependent group 1 enhancer GRCh37_chr16:31276375-31277574; plus strand). Cytogenetic location: 16p11.2.
Variant type: single nucleotide variant.
Coding change: c.244G>A on transcript NM_000632.4 (MANE Select); coding-DNA position 244, G replaced by A.
Protein change: p.Val82Met; replaces valine 82 with methionine.
Molecular consequence: missense variant.
Genome position (GRCh38, 1-based): chr16:31,265,816, G>A. VCF-style: chr16-31265816-G-A. GRCh37 (hg19) VCF-style: chr16-31277137-G-A.
Other names: c.244G>A (NM_000632.3); c.244G>A, p.Val82Met (NM_001145808.2); short protein forms V82M.
Identifiers: ClinVar variation 1419004 (VCV001419004.30), dbSNP rs373322978, ClinGen allele CA8025175.